The following is an entry in ClinVar:

NM_000092.5(COL4A4):c.2548G>T (p.Ala850Ser)

Gene: COL4A4 (collagen type IV alpha 4 chain; minus strand). Cytogenetic location: 2q36.3.
Variant type: single nucleotide variant.
Coding change: c.2548G>T on transcript NM_000092.5 (MANE Select); coding-DNA position 2548, G replaced by T.
Protein change: p.Ala850Ser; replaces alanine 850 with serine.
Molecular consequence: missense variant.
Genome position (GRCh38, 1-based): chr2:227,056,113, C>A on the plus strand (G>T on the coding strand, the complement: COL4A4 is on the minus strand). VCF-style: chr2-227056113-C-A. GRCh37 (hg19) VCF-style: chr2-227920829-C-A.
Other names: short protein forms A850S.
Identifiers: ClinVar variation 4536665 (VCV004536665.1).
Genomic context (GRCh38, chr2:227,056,113, plus strand): 5'-CTTTCATTCCAGCTGGCCCGGGAGGCCCCACATCTCCCGGCTGTCCTTTCCCACCTGGAG[C>A]ACCTAAGACAAACCACAGTGACCACAGTGTGTGAAGGCTGAACACTGGCTTCACACACAG-3'
Protein context (NP_000083.3, residues 840-860): GLPGYPGSPG[Ala850Ser]PGGKGQPGDV

ClinVar aggregate classification (germline): Uncertain significance (1 of 4 stars; one submission).

gnomAD v4.1: 1 of 1,613,954 alleles (0.000062%); highest among the groups gnomAD compares: African/African-American, 0.0013%; no homozygotes.

Submission:

Women's Health and Genetics/Laboratory Corporation of America, LabCorp
Classification: Uncertain significance. Last evaluated: 2025-11-17. Review status: criteria provided, single submitter. Criteria: LabCorp Variant Classification Summary - May 2015. Collection method: clinical testing. Allele origin: germline.
Comment: Variant summary: COL4A4 c.2548G>T (p.Ala850Ser) results in a conservative amino acid change in the encoded protein sequence. Algorithms developed to predict the effect of missense changes on protein structure and function all suggest that this variant is likely to be tolerated. Although no computational tools predict a significant impact on normal splicing at the canonical 3' donor site, two predict the variant strengthens a nearby cryptic 3' acceptor site. However, these predictions have yet to be confirmed by functional studies. The variant was absent in 249294 control chromosomes. The available data on variant occurrences in the general population are insufficient to allow any conclusion about variant significance. To our knowledge, no occurrence of c.2548G>T in individuals affected with COL4A4-related conditions and no experimental evidence demonstrating its impact on protein function have been reported. No submitters have cited clinical-significance assessments for this variant to ClinVar. Based on the evidence outlined above, the variant was classified as uncertain significance.